The following is an entry in ClinVar:

GRCh38/hg38 22q11.21(chr22:20354589-21405291)

Genes: AIFM3 (AIF family member 3; plus strand), CRKL (CRK like proto-oncogene, adaptor protein; plus strand), FAM230B (family with sequence similarity 230 member B; plus strand), FAM230H (family with sequence similarity 230 member H; minus strand), FAM246A (family with sequence similarity 246 member A; minus strand) and 70 more. Cytogenetic location: 22q11.21.
Variant type: copy number loss.
Identifiers: ClinVar variation 2499638 (VCV002499638.3).

ClinVar aggregate classification (germline): Uncertain significance (1 of 4 stars; one submission).

Conditions:
22q11.2 central deletion syndrome.

Submission:

Daryl Scott Lab, Baylor College of Medicine
Classification: Uncertain significance for Central 22q11.2 deletion syndrome. Last evaluated: 2023-08-14. Review status: criteria provided, single submitter. Criteria: ACMG/ClinGen CNV Guidelines, 2019. Collection method: curation. Allele origin: unknown. Affected: yes.
Comment: VUS: Atypical DGS deletion LCR22B-22D 2B, 3A, 4M (0.45)

Literature cited by the submitters: PubMed 37673932.